The following is an entry in ClinVar:

NM_005726.6(TSFM):c.260A>G (p.Gln87Arg)

Gene: TSFM (Ts translation elongation factor, mitochondrial; plus strand). Cytogenetic location: 12q14.1.
Variant type: single nucleotide variant.
Coding change: c.260A>G on transcript NM_005726.6 (MANE Select); coding-DNA position 260, A replaced by G.
Protein change: p.Gln87Arg; replaces glutamine 87 with arginine.
Molecular consequence: missense variant.
Genome position (GRCh38, 1-based): chr12:57,786,191, A>G. VCF-style: chr12-57786191-A-G. GRCh37 (hg19) VCF-style: chr12-58179974-A-G.
Other names: c.260A>G, p.Gln87Arg (NM_001172695.2, NM_001172696.2, NM_001172697.2); short protein forms Q87R.
Identifiers: ClinVar variation 2006072 (VCV002006072.3), dbSNP rs2540949138, ClinGen allele CA385525158.
Genomic context (GRCh38, chr12:57,786,191, plus strand): 5'-TGTTGTCTGCTCTTTTTCCTCTCAATTTACAGGCAGAGATCTGGCTCCACAAGGAGGCCC[A>G]GAAGGAGGGCTGGAGCAAAGCTGCCAAGCTCCAAGGGAGGAAGACCAAAGAAGGCCTGAT-3'
Protein context (NP_005717.3, residues 77-97): QAEIWLHKEA[Gln87Arg]KEGWSKAAKL

ClinVar aggregate classification (germline): Uncertain significance (1 of 4 stars; one submission).

Submission:

Labcorp Genetics (formerly Invitae), Labcorp
Classification: Uncertain significance. Last evaluated: 2024-10-28. Review status: criteria provided, single submitter. Criteria: Invitae Variant Classification Sherloc (09022015). Collection method: clinical testing. Allele origin: germline.
Comment: This sequence change replaces glutamine, which is neutral and polar, with arginine, which is basic and polar, at codon 87 of the TSFM protein (p.Gln87Arg). This variant is not present in population databases (gnomAD no frequency). This variant has not been reported in the literature in individuals affected with TSFM-related conditions. ClinVar contains an entry for this variant (Variation ID: 2006072). An algorithm developed to predict the effect of missense changes on protein structure and function (PolyPhen-2) suggests that this variant is likely to be disruptive. In summary, the available evidence is currently insufficient to determine the role of this variant in disease. Therefore, it has been classified as a Variant of Uncertain Significance.